The following is an entry in ClinVar:

NM_032043.3(BRIP1):c.772C>A (p.Gln258Lys)

Gene: BRIP1 (BRCA1 interacting DNA helicase 1; minus strand). Cytogenetic location: 17q23.2.
Variant type: single nucleotide variant.
Coding change: c.772C>A on transcript NM_032043.3 (MANE Select); coding-DNA position 772, C replaced by A.
Protein change: p.Gln258Lys; replaces glutamine 258 with lysine.
Molecular consequence: missense variant.
Genome position (GRCh38, 1-based): chr17:61,808,613, G>T on the plus strand (C>A on the coding strand, the complement: BRIP1 is on the minus strand). VCF-style: chr17-61808613-G-T. GRCh37 (hg19) VCF-style: chr17-59885974-G-T.
Other names: short protein forms Q258K.
Identifiers: ClinVar variation 1760343 (VCV001760343.2), dbSNP rs1555609257, ClinGen allele CA400484942.

ClinVar aggregate classification (germline): Uncertain significance (1 of 4 stars; one submission).

Conditions:
Hereditary cancer-predisposing syndrome. Also called: Neoplastic Syndromes, Hereditary; Tumor predisposition; Hereditary Cancer Syndrome; Hereditary neoplastic syndrome. Identifiers: Orphanet 140162, MedGen C0027672, MeSH D009386, MONDO:0015356.

Submission:

Ambry Genetics
Classification: Uncertain significance for Hereditary cancer-predisposing syndrome. Last evaluated: 2022-09-08. Review status: criteria provided, single submitter. Criteria: Ambry Variant Classification Scheme 2023. Collection method: clinical testing. Allele origin: germline.
Comment: The p.Q258K variant (also known as c.772C>A), located in coding exon 6 of the BRIP1 gene, results from a C to A substitution at nucleotide position 772. The glutamine at codon 258 is replaced by lysine, an amino acid with similar properties. This amino acid position is conserved. In addition, this alteration is predicted to be deleterious by in silico analysis. Since supporting evidence is limited at this time, the clinical significance of this alteration remains unclear.